The following is an entry in ClinVar:

ClinVar aggregate classification (germline): Likely benign. Review status: criteria provided, multiple submitters, no conflicts (2 of 4 stars). 2 submissions from 2 submitters: Likely benign (2). Last evaluated 2018-01-13.

Conditions:
Osteogenesis imperfecta type 13. Also called: OI, TYPE XIII; Osteogenesis imperfecta, type xiii. Identifiers: Orphanet 666, MedGen C3553887, MONDO:0013924, OMIM 614856.

Allele frequency attached by ClinVar (database versions not stated): 1000 Genomes Project 30x 0.00468; 1000 Genomes Project 0.00499; TOPMed 0.01066; gnomAD 0.01236 and 0.01241; gnomAD exomes 0.01414.
gnomAD v4.1: 3,436 of 261,394 alleles (1.3%); highest among the groups gnomAD compares: South Asian, 1.9%; 36 homozygotes.

Submissions (2):

Illumina Laboratory Services, Illumina
Classification: Likely benign for Osteogenesis imperfecta type 13. Last evaluated: 2018-01-13. Review status: criteria provided, single submitter. Criteria: ICSL Variant Classification Criteria 13 December 2019. Collection method: clinical testing. Allele origin: germline.
Comment: This variant was observed in the ICSL laboratory as part of a predisposition screen in an ostensibly healthy population. It had not been previously curated by ICSL or reported in the Human Gene Mutation Database (HGMD: prior to June 1st, 2018), and was therefore a candidate for classification through an automated scoring system. Utilizing variant allele frequency, disease prevalence and penetrance estimates, and inheritance mode, an automated score was calculated to assess if this variant is too frequent to cause the disease. Based on the score and internal cut-off values, a variant classified as likely benign is not then subjected to further curation. The score for this variant resulted in a classification of likely benign for this disease.

Breakthrough Genomics
Classification: Likely benign. Review status: criteria provided, single submitter. Criteria: ACMG Guidelines, 2015. Collection method: not provided. Allele origin: germline. Inheritance: Autosomal recessive inheritance. Affected: yes.

NM_006129.5(BMP1):c.*350C>T

Gene: BMP1 (bone morphogenetic protein 1; plus strand). Cytogenetic location: 8p21.3.
Variant type: single nucleotide variant.
Coding change: c.*350C>T on transcript NM_006129.5 (MANE Select); 350 bases downstream of the stop codon, C replaced by T.
Molecular consequence: 3 prime UTR variant. On other transcripts: non-coding transcript variant (1).
Genome position (GRCh38, 1-based): chr8:22,212,078, C>T. VCF-style: chr8-22212078-C-T. GRCh37 (hg19) VCF-style: chr8-22069591-C-T.
Identifiers: ClinVar variation 362611 (VCV000362611.6), dbSNP rs77383472, ClinGen allele CA10625207.
Genomic context (GRCh38, chr8:22,212,078, plus strand): 5'-GGAATGTCAGCAGGACCCCATCGCCATCCCTGTGTCTCTACACGCTGTATTGTGTATCAC[C>T]GGGGGCATTATTTTCATTGTAATGTTCATTTCCCACCCCTGCTCCAGCCTCGATTTGGTT-3'